The following is an entry in ClinVar:

NM_173841.3(IL1RN):c.20A>G (p.Tyr7Cys)

Gene: IL1RN (interleukin 1 receptor antagonist; plus strand). Cytogenetic location: 2q14.1.
Variant type: single nucleotide variant.
Coding change: c.20A>G on transcript NM_173841.3; coding-DNA position 20, A replaced by G.
Protein change: p.Tyr7Cys; replaces tyrosine 7 with cysteine.
Molecular consequence: missense variant. On other transcripts: 5 prime UTR variant (1), intron variant (2).
Genome position (GRCh38, 1-based): chr2:113,120,075, A>G. VCF-style: chr2-113120075-A-G. GRCh37 (hg19) VCF-style: chr2-113877652-A-G.
Other names: c.-263A>G (NM_001318914.2); c.-209-1373A>G (NM_173843.3); c.10+2047A>G (NM_000577.5); short protein forms Y7C.
Identifiers: ClinVar variation 1422467 (VCV001422467.9), dbSNP rs137932510, ClinGen allele CA1838714.

ClinVar aggregate classification (germline): Conflicting classifications of pathogenicity. Review status: criteria provided, conflicting classifications (1 of 4 stars). 2 submissions from 2 submitters: Uncertain significance (1); Likely benign (1). Last evaluated 2025-06-22.

Conditions:
Sterile multifocal osteomyelitis with periostitis and pustulosis. Also called: CHRONIC RECURRENT MULTIFOCAL OSTEOMYELITIS 2, WITH PERIOSTITIS AND PUSTULOSIS. Identifiers: Orphanet 210115, MedGen C2748507, MONDO:0013021, OMIM 612852.

Allele frequency attached by ClinVar (database versions not stated): gnomAD exomes below 0.00001 and 0.00002; gnomAD 0.00002; ESP Exome Variant Server 0.00008; TOPMed 0.00002; ExAC 0.00003.
gnomAD v4.1: 10 of 1,613,134 alleles (0.00062%); highest among the groups gnomAD compares: African/African-American, 0.004%; no homozygotes.

Submissions (2):

Labcorp Genetics (formerly Invitae), Labcorp
Classification: Uncertain significance for Sterile multifocal osteomyelitis with periostitis and pustulosis. Last evaluated: 2025-06-22. Review status: criteria provided, single submitter. Criteria: Invitae Variant Classification Sherloc (09022015). Collection method: clinical testing. Allele origin: germline.
Comment: This sequence change replaces tyrosine, which is neutral and polar, with cysteine, which is neutral and slightly polar, at codon 7 of the IL1RN protein (p.Tyr7Cys). This variant is present in population databases (rs137932510, gnomAD 0.01%). This variant has not been reported in the literature in individuals affected with IL1RN-related conditions. ClinVar contains an entry for this variant (Variation ID: 1422467). Experimental studies and prediction algorithms are not available or were not evaluated, and the functional significance of this variant is currently unknown. In summary, the available evidence is currently insufficient to determine the role of this variant in disease. Therefore, it has been classified as a Variant of Uncertain Significance.

Blueprint Genetics
Classification: Likely benign. Last evaluated: 2023-07-28. Review status: criteria provided, single submitter. Criteria: ACMG Guidelines, 2015. Collection method: clinical testing. Allele origin: germline.